The following is an entry in ClinVar:

NM_001292063.2(OTOG):c.4832C>G (p.Pro1611Arg)

Gene: OTOG (otogelin; plus strand). Cytogenetic location: 11p15.1.
Variant type: single nucleotide variant.
Coding change: c.4832C>G on transcript NM_001292063.2 (MANE Select); coding-DNA position 4832, C replaced by G.
Protein change: p.Pro1611Arg; replaces proline 1611 with arginine.
Molecular consequence: missense variant.
Genome position (GRCh38, 1-based): chr11:17,610,132, C>G. VCF-style: chr11-17610132-C-G. GRCh37 (hg19) VCF-style: chr11-17631679-C-G.
Other names: c.4868C>G, p.Pro1623Arg (NM_001277269.2); short protein forms P1611R, P1623R.
Identifiers: ClinVar variation 3711321 (VCV003711321.1).
Genomic context (GRCh38, chr11:17,610,132, plus strand): 5'-TGACTGTGATCTTTGCAGGAAGCCCTAACATCACAGTCTCCTCCCGGTCGCCCCCTGCCC[C>G]TCGCTTCCCGCTCATGACCAAGGCTGTGACAGTCCGAGGCCATGGCTCCTTGCCTGTTAG-3'
Protein context (NP_001278992.1, residues 1601-1621): ITVSSRSPPA[Pro1611Arg]RFPLMTKAVT

ClinVar aggregate classification (germline): Uncertain significance (1 of 4 stars; one submission).

gnomAD v4.1: 18 of 1,550,524 alleles (0.0012%); highest among the groups gnomAD compares: Admixed American, 0.012%; no homozygotes.

Submission:

Labcorp Genetics (formerly Invitae), Labcorp
Classification: Uncertain significance. Last evaluated: 2024-04-08. Review status: criteria provided, single submitter. Criteria: Invitae Variant Classification Sherloc (09022015). Collection method: clinical testing. Allele origin: germline.
Comment: This sequence change replaces proline, which is neutral and non-polar, with arginine, which is basic and polar, at codon 1623 of the OTOG protein (p.Pro1623Arg). This variant is present in population databases (no rsID available, gnomAD 0.02%). This variant has not been reported in the literature in individuals affected with OTOG-related conditions. An algorithm developed to predict the effect of missense changes on protein structure and function (PolyPhen-2) suggests that this variant is likely to be disruptive. In summary, the available evidence is currently insufficient to determine the role of this variant in disease. Therefore, it has been classified as a Variant of Uncertain Significance.